The following is an entry in ClinVar:

ClinVar aggregate classification (germline): Likely benign. Review status: criteria provided, multiple submitters, no conflicts (2 of 4 stars). 3 submissions from 3 submitters: Likely benign (3). Last evaluated 2026-07-14.

Conditions:
LRP2-related disorder. Also called: LRP2-related condition.

Allele frequency attached by ClinVar (database versions not stated): gnomAD exomes below 0.00001.
gnomAD v4.1: 8 of 1,614,094 alleles (0.0005%); highest among the groups gnomAD compares: African/African-American, 0.0027%; no homozygotes.

Submissions (3):

PreventionGenetics, part of Exact Sciences
Classification: Likely benign for LRP2-related condition. Last evaluated: 2026-07-14. Review status: criteria provided, single submitter. Criteria: ACMG Guidelines, 2015. Collection method: clinical testing. Allele origin: germline.
Comment: This variant is classified as likely benign based on ACMG/AMP sequence variant interpretation guidelines (Richards et al. 2015 PMID: 25741868, with internal and published modifications).

Labcorp Genetics (formerly Invitae), Labcorp
Classification: Likely benign. Last evaluated: 2026-01-20. Review status: criteria provided, single submitter. Criteria: Invitae Variant Classification Sherloc (09022015). Collection method: clinical testing. Allele origin: germline.

Blueprint Genetics
Classification: Likely benign. Last evaluated: 2020-01-22. Review status: criteria provided, single submitter. Criteria: ACMG Guidelines, 2015. Collection method: clinical testing. Allele origin: germline.

NM_004525.3(LRP2):c.5058C>T (p.Pro1686=)

Gene: LRP2 (LDL receptor related protein 2; minus strand). Cytogenetic location: 2q31.1.
Variant type: single nucleotide variant.
Coding change: c.5058C>T on transcript NM_004525.3 (MANE Select); coding-DNA position 5058, C replaced by T.
Protein change: p.Pro1686=; no amino-acid change (proline 1686 retained).
Molecular consequence: synonymous variant.
Genome position (GRCh38, 1-based): chr2:169,233,451, G>A on the plus strand (C>T on the coding strand, the complement: LRP2 is on the minus strand). VCF-style: chr2-169233451-G-A. GRCh37 (hg19) VCF-style: chr2-170089961-G-A.
Other names: c.5058C>T (NM_004525.2).
Identifiers: ClinVar variation 2963662 (VCV002963662.5), dbSNP rs199549346, ClinGen allele CA59910939.